The following is an entry in ClinVar:

NM_001127208.3(TET2):c.5541G>A (p.Trp1847Ter)

Genes: TET2-AS1 (TET2 antisense RNA 1; minus strand), TET2 (tet methylcytosine dioxygenase 2; plus strand). Cytogenetic location: 4q24.
Variant type: single nucleotide variant.
Coding change: c.5541G>A on transcript NM_001127208.3 (MANE Select); coding-DNA position 5541, G replaced by A.
Protein change: p.Trp1847Ter; replaces tryptophan 1847 with a stop codon.
Molecular consequence: nonsense.
Genome position (GRCh38, 1-based): chr4:105,276,051, G>A. VCF-style: chr4-105276051-G-A. GRCh37 (hg19) VCF-style: chr4-106197208-G-A.
Other names: short protein forms W1847*.
Identifiers: ClinVar variation 3606407 (VCV003606407.2).
Genomic context (GRCh38, chr4:105,276,051, plus strand): 5'-GCAGCCATTGGCACTAGTCCAGGGTGTGGCTTCTGGTGCAGAGGACAACGATGAGGTCTG[G>A]TCAGACAGCGAGCAGAGCTTTCTGGATCCTGACATTGGGGGAGTGGCCGTGGCTCCAACT-3'

ClinVar aggregate classification (germline): Uncertain significance (1 of 4 stars; one submission).

Submission:

Labcorp Genetics (formerly Invitae), Labcorp
Classification: Uncertain significance. Last evaluated: 2024-08-09. Review status: criteria provided, single submitter. Criteria: Invitae Variant Classification Sherloc (09022015). Collection method: clinical testing. Allele origin: germline.
Comment: This sequence change creates a premature translational stop signal (p.Trp1847*) in the TET2 gene. While this is not anticipated to result in nonsense mediated decay, it is expected to disrupt the last 156 amino acid(s) of the TET2 protein. This variant is present in population databases (no rsID available, gnomAD 0.002%). This variant has not been reported in the literature in individuals affected with TET2-related conditions. Experimental studies and prediction algorithms are not available or were not evaluated, and the functional significance of this variant is currently unknown. In summary, the available evidence is currently insufficient to determine the role of this variant in disease. Therefore, it has been classified as a Variant of Uncertain Significance.